The following is an entry in ClinVar:

NM_000257.4(MYH7):c.4763G>A (p.Arg1588His)

Genes: MHRT (myosin heavy chain associated RNA transcript; plus strand), MYH7 (myosin heavy chain 7; minus strand), LOC126861897 (BRD4-independent group 4 enhancer GRCh37_chr14:23884455-23885654; plus strand). Cytogenetic location: 14q11.2.
Variant type: single nucleotide variant.
Coding change: c.4763G>A on transcript NM_000257.4 (MANE Select); coding-DNA position 4763, G replaced by A.
Protein change: p.Arg1588His; replaces arginine 1588 with histidine.
Molecular consequence: missense variant. On other transcripts: non-coding transcript variant (1).
Genome position (GRCh38, 1-based): chr14:23,416,194, C>T on the plus strand (G>A on the coding strand, the complement: MYH7 is on the minus strand). VCF-style: chr14-23416194-C-T. GRCh37 (hg19) VCF-style: chr14-23885403-C-T.
Other names: short protein forms R1588H.
Identifiers: ClinVar variation 842087 (VCV000842087.18), dbSNP rs797044600, ClinGen allele CA389037680.
Genomic context (GRCh38, chr14:23,416,194, plus strand): 5'-CGGCTGCGTGTCTCTGCGTCCAGGGAGGTCTGCAGCGAGTCCACCACCCGCAGGTGGTTG[C>T]GCTTGGCCTGTTCCATCTCCTCGTCCTTCTCTGCCAGCTTCCGCTCGATCTCTGCCTTGA-3'
Protein context (NP_000248.2, residues 1578-1598): EKDEEMEQAK[Arg1588His]NHLRVVDSLQ

ClinVar aggregate classification (germline): Uncertain significance. Review status: criteria provided, multiple submitters, no conflicts (2 of 4 stars). 5 submissions from 5 submitters: Uncertain significance (5). Last evaluated 2026-03-27.

Conditions:
Cardiovascular phenotype. Identifiers: MedGen CN230736.
Cardiomyopathy (CMYO). Also called: Cardiomyopathies. Identifiers: Orphanet 167848, MedGen C0878544, MONDO:0004994, HP:0001638. Inheritance: Various modes of inheritance.
Hypertrophic cardiomyopathy. Also called: HYPERTROPHIC MYOCARDIOPATHY. Identifiers: Orphanet 217569, MedGen C0007194, MeSH D002312, MONDO:0005045, HP:0001639.

Allele frequency attached by ClinVar (database versions not stated): TOPMed below 0.00001; gnomAD exomes 0.00001.
gnomAD v4.1: 12 of 1,614,128 alleles (0.00074%); highest among the groups gnomAD compares: Admixed American, 0.0033%; no homozygotes.

Submissions (5):

Molecular Diagnostic Laboratory for Inherited Cardiovascular Disease, Montreal Heart Institute
Classification: Uncertain significance for Cardiovascular phenotype. Last evaluated: 2026-03-27. Review status: criteria provided, single submitter. Criteria: ACMG Guidelines, 2015. Collection method: clinical testing. Allele origin: germline. Affected: yes.
Comment: PM2

Color Diagnostics, LLC DBA Color Health
Classification: Uncertain significance for Cardiomyopathy. Last evaluated: 2025-10-07. Review status: criteria provided, single submitter. Criteria: ACMG Guidelines, 2015. Collection method: clinical testing. Allele origin: germline.
Comment: This missense variant replaces arginine with histidine at codon 1588 of the MYH7 protein. Computational prediction is inconclusive regarding the impact of this variant on protein structure and function. To our knowledge, functional studies have not been reported for this variant. This variant has been reported in an individual affected with dilated cardiomyopathy (Estevez et al. 2020, DOI: 10.1093/ehjci/ehaa946.0340). This variant has been identified in 12/1461866 chromosomes in the general population by the Genome Aggregation Database (gnomAD). The available evidence is insufficient to determine the role of this variant in disease conclusively. Therefore, this variant is classified as a Variant of Uncertain Significance.

Labcorp Genetics (formerly Invitae), Labcorp
Classification: Uncertain significance for Hypertrophic cardiomyopathy. Last evaluated: 2025-09-28. Review status: criteria provided, single submitter. Criteria: Invitae Variant Classification Sherloc (09022015). Collection method: clinical testing. Allele origin: germline.
Comment: This sequence change replaces arginine, which is basic and polar, with histidine, which is basic and polar, at codon 1588 of the MYH7 protein (p.Arg1588His). This variant is present in population databases (no rsID available, gnomAD 0.006%). This variant has not been reported in the literature in individuals affected with MYH7-related conditions. ClinVar contains an entry for this variant (Variation ID: 842087). Invitae Evidence Modeling of protein sequence and biophysical properties (such as structural, functional, and spatial information, amino acid conservation, physicochemical variation, residue mobility, and thermodynamic stability) indicates that this missense variant is expected to disrupt MYH7 protein function with a positive predictive value of 95%. In summary, the available evidence is currently insufficient to determine the role of this variant in disease. Therefore, it has been classified as a Variant of Uncertain Significance.

All of Us Research Program, National Institutes of Health
Classification: Uncertain significance for Cardiomyopathy. Last evaluated: 2024-08-06. Review status: criteria provided, single submitter. Criteria: ACMG Guidelines, 2015. Collection method: clinical testing. Allele origin: germline. Inheritance: Autosomal dominant inheritance. Observed: 1 variant allele, 1 heterozygote.
Comment: This study involves interpretation of variants in research participants for the purpose of population health screening. Participant phenotype was not available at the time of variant classification. Additional details can be found in publication PMID: 35346344, PMCID: PMC8962531

Ambry Genetics
Classification: Uncertain significance for Cardiovascular phenotype. Last evaluated: 2022-10-17. Review status: criteria provided, single submitter. Criteria: Ambry Variant Classification Scheme 2023. Collection method: clinical testing. Allele origin: germline.
Comment: The p.R1588H variant (also known as c.4763G>A), located in coding exon 32 of the MYH7 gene, results from a G to A substitution at nucleotide position 4763. The arginine at codon 1588 is replaced by histidine, an amino acid with highly similar properties. This amino acid position is highly conserved in available vertebrate species. In addition, the in silico prediction for this alteration is inconclusive. Since supporting evidence is limited at this time, the clinical significance of this alteration remains unclear.